The following is an entry in ClinVar:

ClinVar aggregate classification (germline): Likely benign. Review status: criteria provided, single submitter (1 of 4 stars). 2 submissions from 2 submitters: Likely benign (1). 1 of the submissions does not count toward it. Last evaluated 2024-10-05.

Conditions:
PLXNA2-related disorder. Also called: PLXNA2-related condition.

gnomAD v4.1: 61 of 1,612,314 alleles (0.0038%); highest among the groups gnomAD compares: Middle Eastern, 0.13%; 1 homozygote.

Submissions (2):

Labcorp Genetics (formerly Invitae), Labcorp
Classification: Likely benign. Last evaluated: 2024-10-05. Review status: criteria provided, single submitter. Criteria: Invitae Variant Classification Sherloc (09022015). Collection method: clinical testing. Allele origin: germline.

PreventionGenetics, part of Exact Sciences
Classification: Likely benign for PLXNA2-related condition. Last evaluated: 2022-03-11. Review status: no assertion criteria provided. Collection method: clinical testing. Allele origin: germline. Not counted in ClinVar's aggregate classification.
Comment: This variant is classified as likely benign based on ACMG/AMP sequence variant interpretation guidelines (Richards et al. 2015 PMID: 25741868, with internal and published modifications).

NM_025179.4(PLXNA2):c.1197C>T (p.Pro399=)

Gene: PLXNA2 (plexin A2; minus strand). Cytogenetic location: 1q32.2.
Variant type: single nucleotide variant.
Coding change: c.1197C>T on transcript NM_025179.4 (MANE Select); coding-DNA position 1197, C replaced by T.
Protein change: p.Pro399=; no amino-acid change (proline 399 retained).
Molecular consequence: synonymous variant.
Genome position (GRCh38, 1-based): chr1:208,210,454, G>A on the plus strand (C>T on the coding strand, the complement: PLXNA2 is on the minus strand). VCF-style: chr1-208210454-G-A. GRCh37 (hg19) VCF-style: chr1-208383799-G-A.
Identifiers: ClinVar variation 3358327 (VCV003358327.3).
Genomic context (GRCh38, chr1:208,210,454, plus strand): 5'-CACTGGAGTTGAGCCTCCCAGGGGCTGGTTGATGTCCAGTCCACAGAAGTTATCATCGAT[G>A]GGGACAGGCTGGAGGGAAGCGGAAGGAATTGGGGTGAGTAACAGTGGAGGCATGGTGAAG-3'
Protein context (NP_079455.3, residues 389-409): KDVQCTKAPV[Pro399=]IDDNFCGLDI